The following is an entry in ClinVar:

ClinVar aggregate classification (germline): Pathogenic. Review status: criteria provided, multiple submitters, no conflicts (2 of 4 stars). 3 submissions from 3 submitters: Pathogenic (3). Last evaluated 2025-08-29.

Conditions:
Capillary malformation-arteriovenous malformation syndrome. Also called: Capillary malformation-arteriovenous malformation. Identifiers: Orphanet 137667, MedGen C1842180, MONDO:0012016.

Submissions (3):

GeneDx
Classification: Pathogenic. Last evaluated: 2025-08-29. Review status: criteria provided, single submitter. Criteria: GeneDx Variant Classification Process June 2021. Collection method: clinical testing. Allele origin: germline. Affected: yes.
Comment: Frameshift variant predicted to result in protein truncation or nonsense mediated decay in a gene for which loss of function is a known mechanism of disease; Not observed at significant frequency in large population cohorts (gnomAD); Has not been previously published as pathogenic or benign to our knowledge; This variant is associated with the following publications: (PMID: 29628290)

Labcorp Genetics (formerly Invitae), Labcorp
Classification: Pathogenic for Capillary malformation-arteriovenous malformation syndrome. Last evaluated: 2025-02-11. Review status: criteria provided, single submitter. Criteria: Invitae Variant Classification Sherloc (09022015). Collection method: clinical testing. Allele origin: germline.
Comment: This sequence change creates a premature translational stop signal (p.Ile717Asnfs*9) in the RASA1 gene. It is expected to result in an absent or disrupted protein product. Loss-of-function variants in RASA1 are known to be pathogenic (PMID: 24038909). This variant is not present in population databases (gnomAD no frequency). This variant has not been reported in the literature in individuals affected with RASA1-related conditions. ClinVar contains an entry for this variant (Variation ID: 817948). For these reasons, this variant has been classified as Pathogenic.

Clinical Genetics Laboratory, Skane University Hospital Lund
Classification: Pathogenic. Last evaluated: 2022-12-06. Review status: criteria provided, single submitter. Criteria: ACMG Guidelines, 2015. Collection method: clinical testing. Allele origin: germline. Affected: yes.

Literature cited by the submitters: PubMed 24038909 (cited by Labcorp Genetics (formerly Invitae), Labcorp).

NM_002890.3(RASA1):c.2149dup (p.Ile717fs)

Genes: CCNH (cyclin H; minus strand), RASA1 (RAS p21 protein activator 1; plus strand). Cytogenetic location: 5q14.3.
Variant type: Duplication.
Coding change: c.2149dup on transcript NM_002890.3 (MANE Select); coding-DNA position 2149, one base duplicated (A; older notation c.2149dupA).
Protein change: p.Ile717fs; shifts the reading frame from isoleucine 717.
Molecular consequence: frameshift variant. On other transcripts: intron variant (1).
Genome position (GRCh38, 1-based): chr5:87,376,530, A duplicated; the last of 6 consecutive A bases (chr5:87,376,525-87,376,530); duplicating any one gives the same sequence. VCF-style (leftmost placement, unchanged base first): chr5-87376524-G-GA. GRCh37 (hg19) VCF-style: chr5-86672341-G-GA.
Other names: c.2149dupA (NM_002890.2); c.1618dup, p.Ile540fs (NM_022650.3); c.933+18519dup (NM_001364075.2); short protein forms I540fs, I717fs.
Identifiers: ClinVar variation 817948 (VCV000817948.10), dbSNP rs1561322357, ClinGen allele CA915943408.